The following is an entry in ClinVar:

NM_000051.4(ATM):c.5493T>G (p.Cys1831Trp)

Gene: ATM (ATM serine/threonine kinase; plus strand). Cytogenetic location: 11q22.3.
Variant type: single nucleotide variant.
Coding change: c.5493T>G on transcript NM_000051.4 (MANE Select); coding-DNA position 5493, T replaced by G.
Protein change: p.Cys1831Trp; replaces cysteine 1831 with tryptophan.
Molecular consequence: missense variant.
Genome position (GRCh38, 1-based): chr11:108,303,026, T>G. VCF-style: chr11-108303026-T-G. GRCh37 (hg19) VCF-style: chr11-108173753-T-G.
Other names: c.5493T>G, p.Cys1831Trp (NM_001351834.2); short protein forms C1831W.
Identifiers: ClinVar variation 1747869 (VCV001747869.2), dbSNP rs2135931213, ClinGen allele CA382544514.

ClinVar aggregate classification (germline): Uncertain significance (1 of 4 stars; one submission).

Conditions:
Hereditary cancer-predisposing syndrome. Also called: Hereditary Cancer Syndrome; Hereditary neoplastic syndrome; Neoplastic Syndromes, Hereditary; Tumor predisposition. Identifiers: Orphanet 140162, MedGen C0027672, MeSH D009386, MONDO:0015356.

Submission:

Ambry Genetics
Classification: Uncertain significance for Hereditary cancer-predisposing syndrome. Last evaluated: 2020-12-31. Review status: criteria provided, single submitter. Criteria: Ambry Variant Classification Scheme 2023. Collection method: clinical testing. Allele origin: germline.
Comment: The p.C1831W variant (also known as c.5493T>G), located in coding exon 35 of the ATM gene, results from a T to G substitution at nucleotide position 5493. The cysteine at codon 1831 is replaced by tryptophan, an amino acid with highly dissimilar properties. This amino acid position is highly conserved in available vertebrate species. In addition, this alteration is predicted to be deleterious by in silico analysis. Since supporting evidence is limited at this time, the clinical significance of this alteration remains unclear.